The following is an entry in ClinVar:

ClinVar aggregate classification (germline): Uncertain significance (1 of 4 stars; one submission).

Submission:

Labcorp Genetics (formerly Invitae), Labcorp
Classification: Uncertain significance. Last evaluated: 2022-05-25. Review status: criteria provided, single submitter. Criteria: Invitae Variant Classification Sherloc (09022015). Collection method: clinical testing. Allele origin: germline.
Comment: In summary, the available evidence is currently insufficient to determine the role of this variant in disease. Therefore, it has been classified as a Variant of Uncertain Significance. Experimental studies and prediction algorithms are not available or were not evaluated, and the functional significance of this variant is currently unknown. This variant has not been reported in the literature in individuals affected with PTPN23-related conditions. This variant is present in population databases (rs767531211, gnomAD 0.003%). This variant, c.4902_4904del, results in the deletion of 1 amino acid(s) of the PTPN23 protein (p.Asn1634del), but otherwise preserves the integrity of the reading frame.

NM_015466.4(PTPN23):c.4899CAA[1] (p.Asn1634del)

Gene: PTPN23 (protein tyrosine phosphatase non-receptor type 23; plus strand). Cytogenetic location: 3p21.31.
Variant type: Microsatellite.
Coding change: c.4899CAA[1] on transcript NM_015466.4 (MANE Select); one copy of the 3-base unit CAA starting at c.4899; the reference has two copies in a row; one copy, 3 bases deleted.
Protein change: p.Asn1634del; deletes asparagine 1634.
Molecular consequence: inframe deletion.
Genome position (GRCh38, 1-based): chr3:47,413,176-47,413,178, CAA deleted; deleting any 3 consecutive bases within chr3:47,413,173-47,413,178 gives the same sequence; the position shown is the placement nearest the transcript's 3' end. VCF-style (leftmost placement, unchanged base first): chr3-47413172-TCAA-T. GRCh37 (hg19) VCF-style: chr3-47454662-TCAA-T.
Other names: c.4521CAA[1], p.Asn1508del (NM_001304482.2); short protein forms N1508del, N1634del.
Identifiers: ClinVar variation 1917880 (VCV001917880.5), dbSNP rs752943986, ClinGen allele CA2366736.
Genomic context (GRCh38, chr3:47,413,172, plus strand): 5'-GGCTGCGGGCCACCCGGCCCTCTGACGACCCCCTCAGCCTTCTGGATCCACTCTGGACAC[TCAA>T]CAAGACCTGAACAGGTTTTGCCTACCTGGTCCTTACACTACATCATCATCATCTCATGCC-3'